The following is an entry in ClinVar:

NM_133433.4(NIPBL):c.3100A>T (p.Lys1034Ter)

Gene: NIPBL (NIPBL cohesin loading factor; plus strand). Cytogenetic location: 5p13.2.
Variant type: single nucleotide variant.
Coding change: c.3100A>T on transcript NM_133433.4 (MANE Select); coding-DNA position 3100, A replaced by T.
Protein change: p.Lys1034Ter; replaces lysine 1034 with a stop codon.
Molecular consequence: nonsense.
Genome position (GRCh38, 1-based): chr5:36,986,280, A>T. VCF-style: chr5-36986280-A-T. GRCh37 (hg19) VCF-style: chr5-36986382-A-T.
Other names: c.3100A>T, p.Lys1034Ter (NM_015384.5); short protein forms K1034*.
Identifiers: ClinVar variation 1383143 (VCV001383143.6), dbSNP rs2149647035, ClinGen allele CA359508379.

ClinVar aggregate classification (germline): Pathogenic (1 of 4 stars; one submission).

Conditions:
Cornelia de Lange syndrome 1 (CDLS1). Also called: Brachmann de Lange syndrome; NIPBL-Related Cornelia de Lange Syndrome; TYPUS DEGENERATIVUS AMSTELODAMENSIS. Identifiers: Orphanet 199, MedGen C4551851, MONDO:0007387, OMIM 122470.

Submission:

Labcorp Genetics (formerly Invitae), Labcorp
Classification: Pathogenic for Cornelia de Lange syndrome 1. Last evaluated: 2021-06-12. Review status: criteria provided, single submitter. Criteria: Invitae Variant Classification Sherloc (09022015). Collection method: clinical testing. Allele origin: germline.
Comment: For these reasons, this variant has been classified as Pathogenic. This variant has not been reported in the literature in individuals with NIPBL-related conditions. This variant is not present in population databases (ExAC no frequency). This sequence change creates a premature translational stop signal (p.Lys1034*) in the NIPBL gene. It is expected to result in an absent or disrupted protein product. Loss-of-function variants in NIPBL are known to be pathogenic (PMID: 15318302, 19763162, 23505322, 29995837).

Literature cited by the submitters: PubMed 15318302; PubMed 19763162; PubMed 23505322; PubMed 29995837.